The following is an entry in ClinVar:

ClinVar aggregate classification (germline): Likely pathogenic (1 of 4 stars; one submission).

Conditions:
Christianson syndrome (MRXSCH). Also called: X-linked mental retardation, syndromic, Christianson type; INTELLECTUAL DEVELOPMENTAL DISORDER, X-LINKED, SYNDROMIC, CHRISTIANSON TYPE; SLC9A6-Related Syndromic Mental Retardation. Identifiers: Orphanet 85278, MedGen C2678194, MONDO:0010278, OMIM 300243.

Submissions (2):

Labcorp Genetics (formerly Invitae), Labcorp
Classification: Likely pathogenic for Christianson syndrome. Last evaluated: 2022-04-01. Review status: criteria provided, single submitter. Criteria: Invitae Variant Classification Sherloc (09022015). Collection method: clinical testing. Allele origin: germline.
Comment: In summary, the currently available evidence indicates that the variant is pathogenic, but additional data are needed to prove that conclusively. Therefore, this variant has been classified as Likely Pathogenic. Algorithms developed to predict the effect of sequence changes on RNA splicing suggest that this variant may disrupt the consensus splice site. Algorithms developed to predict the effect of missense changes on protein structure and function are either unavailable or do not agree on the potential impact of this missense change (SIFT: "Deleterious"; PolyPhen-2: "Possibly Damaging"; Align-GVGD: "Class C15"). This missense change has been observed in individual(s) with clinical features of SLC9A6-related conditions (Invitae). In at least one individual the variant was observed to be de novo. This variant is not present in population databases (gnomAD no frequency). This sequence change replaces glycine, which is neutral and non-polar, with valine, which is neutral and non-polar, at codon 109 of the SLC9A6 protein (p.Gly109Val).

Dr. Peter K. Rogan Lab, Western University
No classification provided (evidence only). Condition: Thyroid cancer, nonmedullary, 1. Review status: no classification provided. Collection method: in vitro. Allele origin: not applicable. Functional consequence: retained intron. Not counted in ClinVar's aggregate classification.

NM_001379110.1(SLC9A6):c.170G>T (p.Gly57Val)

Gene: SLC9A6 (solute carrier family 9 member A6; plus strand). Cytogenetic location: Xq26.3.
Variant type: single nucleotide variant.
Coding change: c.170G>T on transcript NM_001379110.1 (MANE Select); coding-DNA position 170, G replaced by T.
Protein change: p.Gly57Val; replaces glycine 57 with valine.
Molecular consequence: missense variant.
Genome position (GRCh38, 1-based): chrX:135,994,786, G>T. VCF-style: chrX-135994786-G-T. GRCh37 (hg19) VCF-style: chrX-135076945-G-T.
Other names: c.326G>T, p.Gly109Val (NM_001042537.2, NM_006359.3); c.170G>T, p.Gly57Val (NM_001177651.2, NM_001330652.2); short protein forms G109V, G57V.
Identifiers: ClinVar variation 1390116 (VCV001390116.7), dbSNP rs2148143998, ClinGen allele CA414748426.